The following is an entry in ClinVar:

NM_000138.5(FBN1):c.5788+5G>C

Gene: FBN1 (fibrillin 1; minus strand). Cytogenetic location: 15q21.1.
Variant type: single nucleotide variant.
Coding change: c.5788+5G>C on transcript NM_000138.5 (MANE Select); 5 bases into the intron after coding-DNA position 5788, G replaced by C.
Molecular consequence: intron variant.
Genome position (GRCh38, 1-based): chr15:48,446,701, C>G on the plus strand (G>C on the coding strand, the complement: FBN1 is on the minus strand). VCF-style: chr15-48446701-C-G. GRCh37 (hg19) VCF-style: chr15-48738898-C-G.
Other names: c.5788+5G>C (NM_001406716.1).
Identifiers: ClinVar variation 2927217 (VCV002927217.3), dbSNP rs193922219, ClinGen allele CA2695220247.

ClinVar aggregate classification (germline): Uncertain significance (1 of 4 stars; one submission).

Conditions:
Marfan syndrome (MFS). Also called: MARFAN SYNDROME, TYPE I; Marfan syndrome type 1; Marfan's syndrome; Marfan syndrome, classic; FBN1-Related Marfan Syndrome. Identifiers: Orphanet 284963, Orphanet 558, MedGen C0024796, MONDO:0007947, OMIM 154700.
Familial thoracic aortic aneurysm and aortic dissection (TAAD). Also called: Thoracic aortic aneurysms and dissections. Identifiers: Orphanet 91387, MedGen C4707243, MONDO:0019625.

Submission:

Labcorp Genetics (formerly Invitae), Labcorp
Classification: Uncertain significance for Marfan syndrome; Familial thoracic aortic aneurysm and aortic dissection. Last evaluated: 2023-02-13. Review status: criteria provided, single submitter. Criteria: Invitae Variant Classification Sherloc (09022015). Collection method: clinical testing. Allele origin: germline.
Comment: In summary, the available evidence is currently insufficient to determine the role of this variant in disease. Therefore, it has been classified as a Variant of Uncertain Significance. This variant disrupts the c.5788+5G nucleotide in the FBN1 gene. Other variant(s) that disrupt this nucleotide have been determined to be pathogenic (PMID: 7611299, 9536098, 11700157, 12402346, 14695540, 17576681, 17657824, 17663468). This suggests that this nucleotide is clinically significant, and that variants that disrupt this position are likely to be disease-causing. Variants that disrupt the consensus splice site are a relatively common cause of aberrant splicing (PMID: 17576681, 9536098). Algorithms developed to predict the effect of sequence changes on RNA splicing suggest that this variant may disrupt the consensus splice site. This variant has been observed in individual(s) with clinical features of Marfan syndrome (PMID: 29848614; Invitae). This variant is not present in population databases (gnomAD no frequency). This sequence change falls in intron 47 of the FBN1 gene. It does not directly change the encoded amino acid sequence of the FBN1 protein. It affects a nucleotide within the consensus splice site.

Literature cited by the submitters: PubMed 7611299; PubMed 9536098; PubMed 11700157; PubMed 12402346; PubMed 14695540; PubMed 17576681; PubMed 17657824; PubMed 17663468; PubMed 29848614.